The following is an entry in ClinVar:

ClinVar aggregate classification (germline): Uncertain significance (1 of 4 stars; one submission).

Conditions:
Neutrophil immunodeficiency syndrome. Also called: Immunodeficiency 73A with defective neutrophil chemotaxis and leukocytosis. Identifiers: Orphanet 183707, MedGen C1842398, MONDO:0011988, OMIM 608203.

Submission:

Labcorp Genetics (formerly Invitae), Labcorp
Classification: Uncertain significance for Neutrophil immunodeficiency syndrome. Last evaluated: 2023-09-30. Review status: criteria provided, single submitter. Criteria: Invitae Variant Classification Sherloc (09022015). Collection method: clinical testing. Allele origin: germline.
Comment: In summary, the available evidence is currently insufficient to determine the role of this variant in disease. Therefore, it has been classified as a Variant of Uncertain Significance. Advanced modeling of protein sequence and biophysical properties (such as structural, functional, and spatial information, amino acid conservation, physicochemical variation, residue mobility, and thermodynamic stability) performed at Invitae indicates that this missense variant is not expected to disrupt RAC2 protein function. This variant has not been reported in the literature in individuals affected with RAC2-related conditions. This variant is not present in population databases (gnomAD no frequency). This sequence change replaces aspartic acid, which is acidic and polar, with glycine, which is neutral and non-polar, at codon 124 of the RAC2 protein (p.Asp124Gly).

NM_002872.5(RAC2):c.371A>G (p.Asp124Gly)

Gene: RAC2 (Rac family small GTPase 2; minus strand). Cytogenetic location: 22q13.1.
Variant type: single nucleotide variant.
Coding change: c.371A>G on transcript NM_002872.5 (MANE Select); coding-DNA position 371, A replaced by G.
Protein change: p.Asp124Gly; replaces aspartic acid 124 with glycine.
Molecular consequence: missense variant.
Genome position (GRCh38, 1-based): chr22:37,231,308, T>C on the plus strand (A>G on the coding strand, the complement: RAC2 is on the minus strand). VCF-style: chr22-37231308-T-C. GRCh37 (hg19) VCF-style: chr22-37627348-T-C.
Other names: short protein forms D124G.
Identifiers: ClinVar variation 2764626 (VCV002764626.3), dbSNP rs2517932159, ClinGen allele CA411442961.